The following is an entry in ClinVar:

ClinVar aggregate classification (germline): Uncertain significance (1 of 4 stars; one submission).

Conditions:
DNA ligase IV deficiency. Identifiers: Orphanet 99812, MedGen C1847827, MONDO:0011686, OMIM 606593.

Submission:

Labcorp Genetics (formerly Invitae), Labcorp
Classification: Uncertain significance for DNA ligase IV deficiency. Last evaluated: 2021-09-25. Review status: criteria provided, single submitter. Criteria: Invitae Variant Classification Sherloc (09022015). Collection method: clinical testing. Allele origin: germline.
Comment: In summary, the available evidence is currently insufficient to determine the role of this variant in disease. Therefore, it has been classified as a Variant of Uncertain Significance. Algorithms developed to predict the effect of missense changes on protein structure and function output the following: SIFT: "Tolerated"; PolyPhen-2: "Benign"; Align-GVGD: "Class C0". The leucine amino acid residue is found in multiple mammalian species, which suggests that this missense change does not adversely affect protein function. This variant has not been reported in the literature in individuals affected with LIG4-related conditions. This variant is not present in population databases (ExAC no frequency). This sequence change replaces methionine with leucine at codon 594 of the LIG4 protein (p.Met594Leu). The methionine residue is moderately conserved and there is a small physicochemical difference between methionine and leucine.

NM_206937.2(LIG4):c.1780A>C (p.Met594Leu)

Gene: LIG4 (DNA ligase 4; minus strand). Cytogenetic location: 13q33.3.
Variant type: single nucleotide variant.
Coding change: c.1780A>C on transcript NM_206937.2 (MANE Select); coding-DNA position 1780, A replaced by C.
Protein change: p.Met594Leu; replaces methionine 594 with leucine.
Molecular consequence: missense variant.
Genome position (GRCh38, 1-based): chr13:108,209,489, T>G on the plus strand (A>C on the coding strand, the complement: LIG4 is on the minus strand). VCF-style: chr13-108209489-T-G. GRCh37 (hg19) VCF-style: chr13-108861837-T-G.
Other names: c.1780A>C, p.Met594Leu (NM_001098268.2, NM_001352598.2, NM_001352599.2 and 6 more transcripts); c.1579A>C, p.Met527Leu (NM_001330595.2); c.1816A>C, p.Met606Leu (NM_001352604.2); short protein forms M527L, M594L, M606L.
Identifiers: ClinVar variation 1020122 (VCV001020122.7), dbSNP rs1878351126, ClinGen allele CA388616081.
Genomic context (GRCh38, chr13:108,209,489, plus strand): 5'-GTTTAGATGCGAGCTTACCAGATGCCTTCCCCCTAAGTTGTTCTAGGTCGTCCAGGGTCA[T>G]GCACTCATGCCACTCCTTGTCATCTCTTATCTTTTCAATTCGTGGAAAACGCAAGGTGCA-3'
Protein context (NP_996820.1, residues 584-604): IRDDKEWHEC[Met594Leu]TLDDLEQLRG